The following is an entry in ClinVar:

ClinVar aggregate classification (germline): Uncertain significance. Review status: criteria provided, multiple submitters, no conflicts (2 of 4 stars). 3 submissions from 3 submitters: Uncertain significance (2). 1 of the submissions does not count toward it. Last evaluated 2025-01-02.

Conditions:
Retinitis pigmentosa (RP). Identifiers: Orphanet 791, MedGen C0035334, MeSH D012174, MONDO:0019200, OMIM 268000. Inheritance: Autosomal dominant, autosomal recessive and X linked inheritance.

Allele frequency attached by ClinVar (database versions not stated): gnomAD exomes below 0.00001.
gnomAD v4.1: 6 of 1,614,044 alleles (0.00037%); highest among the groups gnomAD compares: Non-Finnish European, 0.00051%; no homozygotes.

Submissions (3):

Women's Health and Genetics/Laboratory Corporation of America, LabCorp
Classification: Uncertain significance. Last evaluated: 2025-01-02. Review status: criteria provided, single submitter. Criteria: LabCorp Variant Classification Summary - May 2015. Collection method: clinical testing. Allele origin: germline.
Comment: Variant summary: EYS c.613C>T (p.Pro205Ser) results in a non-conservative amino acid change located in the Epidermal growth factor-like domain (IPR000742) of the encoded protein sequence. Three of five in-silico tools predict a benign effect of the variant on protein function. The variant was absent in 251292 control chromosomes. The available data on variant occurrences in the general population are insufficient to allow any conclusion about variant significance. c.613C>T has been reported in the literature in compound heterozygous individuals affected with Retinitis Pigmentosa (Lin_2024, Carss_2017). These data do not allow any conclusion about variant significance. To our knowledge, no experimental evidence demonstrating an impact on protein function has been reported. The following publications have been ascertained in the context of this evaluation (PMID: 28041643, 38219857). ClinVar contains an entry for this variant (Variation ID: 438202). Based on the evidence outlined above, the variant was classified as uncertain significance.

Labcorp Genetics (formerly Invitae), Labcorp
Classification: Uncertain significance. Last evaluated: 2023-08-27. Review status: criteria provided, single submitter. Criteria: Invitae Variant Classification Sherloc (09022015). Collection method: clinical testing. Allele origin: germline.
Comment: In summary, the available evidence is currently insufficient to determine the role of this variant in disease. Therefore, it has been classified as a Variant of Uncertain Significance. This sequence change replaces proline, which is neutral and non-polar, with serine, which is neutral and polar, at codon 205 of the EYS protein (p.Pro205Ser). This variant is not present in population databases (gnomAD no frequency). This missense change has been observed in individual(s) with retinitis pigmentosa (PMID: 28041643). ClinVar contains an entry for this variant (Variation ID: 438202). Algorithms developed to predict the effect of missense changes on protein structure and function output the following: SIFT: "Not Available"; PolyPhen-2: "Probably Damaging"; Align-GVGD: "Not Available". The serine amino acid residue is found in multiple mammalian species, which suggests that this missense change does not adversely affect protein function.

NIHR Bioresource Rare Diseases, University of Cambridge
Classification: Uncertain significance for Retinitis pigmentosa. Last evaluated: 2015-01-01. Review status: no assertion criteria provided. Collection method: research. Allele origin: unknown. Affected: yes. Observed: 1 variant allele. Not counted in ClinVar's aggregate classification.

Literature cited by the submitters: PubMed 28041643 (cited by 3 submitters); PubMed 38219857 (cited by Women's Health and Genetics/Laboratory Corporation of America, LabCorp).

NM_001142800.2(EYS):c.613C>T (p.Pro205Ser)

Gene: EYS (EGF-like photoreceptor maintenance factor; minus strand). Cytogenetic location: 6q12.
Variant type: single nucleotide variant.
Coding change: c.613C>T on transcript NM_001142800.2 (MANE Select); coding-DNA position 613, C replaced by T.
Protein change: p.Pro205Ser; replaces proline 205 with serine.
Molecular consequence: missense variant.
Genome position (GRCh38, 1-based): chr6:65,494,798, G>A on the plus strand (C>T on the coding strand, the complement: EYS is on the minus strand). VCF-style: chr6-65494798-G-A. GRCh37 (hg19) VCF-style: chr6-66204691-G-A.
Other names: c.613C>T, p.Pro205Ser (NM_001142801.2, NM_001292009.2, NM_198283.2); short protein forms P205S.
Identifiers: ClinVar variation 438202 (VCV000438202.8), dbSNP rs1554202833, ClinGen allele CA364789526.